The following is an entry in ClinVar:

NM_001232.4(CASQ2):c.10A>G (p.Thr4Ala)

Gene: CASQ2 (calsequestrin 2; minus strand). Cytogenetic location: 1p13.1.
Variant type: single nucleotide variant.
Coding change: c.10A>G on transcript NM_001232.4 (MANE Select); coding-DNA position 10, A replaced by G.
Protein change: p.Thr4Ala; replaces threonine 4 with alanine.
Molecular consequence: missense variant.
Genome position (GRCh38, 1-based): chr1:115,768,532, T>C on the plus strand (A>G on the coding strand, the complement: CASQ2 is on the minus strand). VCF-style: chr1-115768532-T-C. GRCh37 (hg19) VCF-style: chr1-116311153-T-C.
Other names: short protein forms T4A.
Identifiers: ClinVar variation 4751074 (VCV004751074.1).

ClinVar aggregate classification (germline): Uncertain significance (1 of 4 stars; one submission).

Conditions:
Catecholaminergic polymorphic ventricular tachycardia 1. Also called: VENTRICULAR TACHYCARDIA, CATECHOLAMINERGIC POLYMORPHIC, 1, WITH OR WITHOUT ATRIAL DYSFUNCTION AND/OR DILATED CARDIOMYOPATHY; RYR2-Related Catecholaminergic Polymorphic Ventricular Tachycardia; VENTRICULAR TACHYCARDIA, STRESS-INDUCED POLYMORPHIC 1. Identifiers: Orphanet 3286, MedGen C1631597, MONDO:0011484, OMIM 604772.

Submission:

Labcorp Genetics (formerly Invitae), Labcorp
Classification: Uncertain significance for Catecholaminergic polymorphic ventricular tachycardia 1. Last evaluated: 2025-07-16. Review status: criteria provided, single submitter. Criteria: Invitae Variant Classification Sherloc (09022015). Collection method: clinical testing. Allele origin: germline.
Comment: This sequence change replaces threonine, which is neutral and polar, with alanine, which is neutral and non-polar, at codon 4 of the CASQ2 protein (p.Thr4Ala). This variant is not present in population databases (gnomAD no frequency). This variant has not been reported in the literature in individuals affected with CASQ2-related conditions. An algorithm developed to predict the effect of missense changes on protein structure and function outputs the following: PolyPhen-2: "Benign". The alanine amino acid residue is found in multiple mammalian species, which suggests that this missense change does not adversely affect protein function. In summary, the available evidence is currently insufficient to determine the role of this variant in disease. Therefore, it has been classified as a Variant of Uncertain Significance.